The following is an entry in ClinVar:

ClinVar aggregate classification (germline): Uncertain significance (1 of 4 stars; one submission).

Conditions:
Inborn genetic diseases. Identifiers: MedGen C0950123, MeSH D030342.

gnomAD v4.1: 1 of 1,612,800 alleles (0.000062%); highest among the groups gnomAD compares: Non-Finnish European, 0.000085%; no homozygotes.

Submission:

Ambry Genetics
Classification: Uncertain significance for Inborn genetic diseases. Last evaluated: 2025-09-02. Review status: criteria provided, single submitter. Criteria: Ambry Variant Classification Scheme 2023. Collection method: clinical testing. Allele origin: germline.
Comment: The p.G594D variant (also known as c.1781G>A), located in coding exon 12 of the ERCC6L2 gene, results from a G to A substitution at nucleotide position 1781. The glycine at codon 594 is replaced by aspartic acid, an amino acid with similar properties. This amino acid position is conserved. In addition, this alteration is predicted to be deleterious by in silico analysis. Based on the available evidence, the clinical significance of this variant remains unclear.

NM_020207.7(ERCC6L2):c.1781G>A (p.Gly594Asp)

Gene: ERCC6L2 (ERCC excision repair 6 like 2; plus strand). Cytogenetic location: 9q22.32.
Variant type: single nucleotide variant.
Coding change: c.1781G>A on transcript NM_020207.7 (MANE Select); coding-DNA position 1781, G replaced by A.
Protein change: p.Gly594Asp; replaces glycine 594 with aspartic acid.
Molecular consequence: missense variant. On other transcripts: non-coding transcript variant (1).
Genome position (GRCh38, 1-based): chr9:95,941,483, G>A. VCF-style: chr9-95941483-G-A. GRCh37 (hg19) VCF-style: chr9-98703765-G-A.
Other names: c.1781G>A, p.Gly594Asp (NM_001010895.4, NM_001375291.1, NM_001375292.1 and 2 more transcripts); short protein forms G594D.
Identifiers: ClinVar variation 4250643 (VCV004250643.1).